The following is an entry in ClinVar:

NM_015021.3(ZNF292):c.4131T>C (p.Cys1377=)

Gene: ZNF292 (zinc finger protein 292; plus strand). Cytogenetic location: 6q14.3.
Variant type: single nucleotide variant.
Coding change: c.4131T>C on transcript NM_015021.3 (MANE Select); coding-DNA position 4131, T replaced by C.
Protein change: p.Cys1377=; no amino-acid change (cysteine 1377 retained).
Molecular consequence: synonymous variant.
Genome position (GRCh38, 1-based): chr6:87,257,760, T>C. VCF-style: chr6-87257760-T-C. GRCh37 (hg19) VCF-style: chr6-87967478-T-C.
Other names: c.4131T>C (NM_015021.1); c.3711T>C, p.Cys1237= (NM_001351444.2).
Identifiers: ClinVar variation 2656746 (VCV002656746.26), dbSNP rs142923098, ClinGen allele CA3914244.

ClinVar aggregate classification (germline): Benign/Likely benign. Review status: criteria provided, multiple submitters, no conflicts (2 of 4 stars). 3 submissions from 3 submitters: Benign (1); Likely benign (1). 1 of the submissions does not count toward it. Last evaluated 2023-06-14.

Conditions:
ZNF292-related disorder. Also called: ZNF292-related condition.

Allele frequency attached by ClinVar (database versions not stated): ESP Exome Variant Server 0.00134; gnomAD exomes 0.00009; ExAC 0.00034; 1000 Genomes Project 30x 0.00094; TOPMed 0.00111; gnomAD 0.00113; 1000 Genomes Project 0.00120.
gnomAD v4.1: 306 of 1,613,774 alleles (0.019%); highest among the groups gnomAD compares: African/African-American, 0.39%; no homozygotes.

Submissions (3):

Blueprint Genetics
Classification: Likely benign. Last evaluated: 2023-06-14. Review status: criteria provided, single submitter. Criteria: ACMG Guidelines, 2015. Collection method: clinical testing. Allele origin: germline.

CeGaT Center for Human Genetics Tuebingen
Classification: Benign. Last evaluated: 2022-09-01. Review status: criteria provided, single submitter. Criteria: CeGaT Center For Human Genetics Tuebingen Variant Classification Criteria Version 2. Collection method: clinical testing. Allele origin: germline. Affected: yes. Observed: 1 variant allele.
Comment: ZNF292: BS1, BS2

PreventionGenetics, part of Exact Sciences
Classification: Likely benign for ZNF292-related condition. Last evaluated: 2023-12-21. Review status: no assertion criteria provided. Collection method: clinical testing. Allele origin: germline. Not counted in ClinVar's aggregate classification.
Comment: This variant is classified as likely benign based on ACMG/AMP sequence variant interpretation guidelines (Richards et al. 2015 PMID: 25741868, with internal and published modifications).